The following is an entry in ClinVar:

ClinVar aggregate classification (germline): Pathogenic. Review status: criteria provided, multiple submitters, no conflicts (2 of 4 stars). 3 submissions from 3 submitters: Pathogenic (2). 1 of the submissions does not count toward it. Last evaluated 2025-11-17.

Conditions:
SUOX-related disorder. Also called: SUOX-related condition.
Sulfite oxidase deficiency. Also called: Isolated sulfite oxidase deficiency. Identifiers: Orphanet 833, Orphanet 99731, MedGen C0268624, MONDO:0010089, OMIM 272300, HP:0003643.
Sulfocysteinuria. Identifiers: MedGen C2931746, HP:0032350.

Allele frequency attached by ClinVar (database versions not stated): gnomAD exomes below 0.00001; ExAC 0.00001; gnomAD 0.00001; TOPMed 0.00002.

Submissions (3):

Labcorp Genetics (formerly Invitae), Labcorp
Classification: Pathogenic for Sulfite oxidase deficiency. Last evaluated: 2025-11-17. Review status: criteria provided, single submitter. Criteria: Invitae Variant Classification Sherloc (09022015). Collection method: clinical testing. Allele origin: germline.
Comment: This sequence change creates a premature translational stop signal (p.Asn49delinsArg*) in the SUOX gene. It is expected to result in an absent or disrupted protein product. Loss-of-function variants in SUOX are known to be pathogenic (PMID: 1212661, 9600976, 15952210, 32978145). This variant is present in population databases (rs780603746, gnomAD 0.0009%). This variant has not been reported in the literature in individuals affected with SUOX-related conditions. ClinVar contains an entry for this variant (Variation ID: 1383872). For these reasons, this variant has been classified as Pathogenic.

Women's Health and Genetics/Laboratory Corporation of America, LabCorp
Classification: Pathogenic for Sulfocysteinuria. Last evaluated: 2023-07-11. Review status: criteria provided, single submitter. Criteria: LabCorp Variant Classification Summary - May 2015. Collection method: clinical testing. Allele origin: germline.
Comment: Variant summary: SUOX c.142_145dupGATA (p.Asn49ArgfsX2) results in a premature termination codon, predicted to cause absence of the protein due to nonsense mediated decay, which is a commonly known mechanism for disease. The variant allele was found at a frequency of 4e-06 in 251470 control chromosomes (gnomAD). To our knowledge, no occurrence of c.142_145dupGATA in individuals affected with Sulfite Oxidase Deficiency and no experimental evidence demonstrating its impact on protein function have been reported. One submitter has cited a clinical-significance assessment for this variant to ClinVar after 2014 and has classified it as pathogenic. Based on the evidence outlined above, the variant was classified as pathogenic.

PreventionGenetics, part of Exact Sciences
Classification: Likely pathogenic for SUOX-related condition. Last evaluated: 2024-04-04. Review status: no assertion criteria provided. Collection method: clinical testing. Allele origin: germline. Not counted in ClinVar's aggregate classification.
Comment: The SUOX c.142_145dupGATA variant is predicted to result in a frameshift and premature protein termination (p.Asn49Argfs*2). To our knowledge, this variant has not been reported in the literature. This variant is reported in 0.00088% of alleles in individuals of European (Non-Finnish) descent in gnomAD. Frameshift variants in SUOX are expected to be pathogenic. This variant is interpreted as likely pathogenic.

Literature cited by the submitters: PubMed 1212661 (cited by Labcorp Genetics (formerly Invitae), Labcorp); PubMed 9600976 (cited by Labcorp Genetics (formerly Invitae), Labcorp); PubMed 15952210 (cited by Labcorp Genetics (formerly Invitae), Labcorp); PubMed 32978145 (cited by Labcorp Genetics (formerly Invitae), Labcorp).

NM_001032386.2(SUOX):c.142_145dup (p.Asn49delinsArgTer)

Gene: SUOX (sulfite oxidase; plus strand). Cytogenetic location: 12q13.2.
Variant type: Duplication.
Coding change: c.142_145dup on transcript NM_001032386.2 (MANE Select); coding-DNA positions 142 to 145, 4 bases duplicated (GATA; older notation c.142_145dupGATA).
Protein change: p.Asn49delinsArgTer.
Molecular consequence: nonsense.
Genome position (GRCh38, 1-based): chr12:56,002,634-56,002,637, GATA duplicated. VCF-style (leftmost placement, unchanged base first): chr12-56002633-T-TGATA. GRCh37 (hg19) VCF-style: chr12-56396417-T-TGATA.
Other names: c.142_145dupGATA (NM_000456.2); c.142_145dup, p.Asn49delinsArgTer (NM_000456.3, NM_001032387.2).
Identifiers: ClinVar variation 1383872 (VCV001383872.9), dbSNP rs780603746, ClinGen allele CA6620886.